The following is an entry in ClinVar:

NM_001128178.3(NPHP1):c.1560G>A (p.Met520Ile)

Gene: NPHP1 (nephrocystin 1; minus strand). Cytogenetic location: 2q13.
Variant type: single nucleotide variant.
Coding change: c.1560G>A on transcript NM_001128178.3 (MANE Select); coding-DNA position 1560, G replaced by A.
Protein change: p.Met520Ile; replaces methionine 520 with isoleucine.
Molecular consequence: missense variant.
Genome position (GRCh38, 1-based): chr2:110,131,761, C>T on the plus strand (G>A on the coding strand, the complement: NPHP1 is on the minus strand). VCF-style: chr2-110131761-C-T. GRCh37 (hg19) VCF-style: chr2-110889338-C-T.
Other names: c.1728G>A, p.Met576Ile (NM_000272.5); c.1371G>A, p.Met457Ile (NM_001128179.3); c.1557G>A, p.Met519Ile (NM_001374256.1); c.1560G>A, p.Met520Ile (NM_001374257.1); c.1725G>A, p.Met575Ile (NM_207181.4); short protein forms M457I, M575I, M576I, M519I, M520I.
Identifiers: ClinVar variation 4993397 (VCV004993397.1).
Genomic context (GRCh38, chr2:110,131,761, plus strand): 5'-GTCTTTCAGGAGCACATCTCCAAGAATTTGTCGATAAAATATCAACAAGTGAATAGAACA[C>T]ATATTTCCAATTAATGTTTCTGGCAGTAGACTATTAAAGAAGAAAAAAATGTATTCATTA-3'
Protein context (NP_001121650.1, residues 510-530): SLLPETLIGN[Met520Ile]CSIHLLIFYR

ClinVar aggregate classification (germline): Uncertain significance (1 of 4 stars; one submission).

Conditions:
NPHP1-related disorder. Also called: NPHP1-related condition; NPHP1-related disorders.

gnomAD v4.1: 1 of 1,610,534 alleles (0.000062%); highest among the groups gnomAD compares: Non-Finnish European, 0.000085%; no homozygotes.

Submission:

PreventionGenetics, part of Exact Sciences
Classification: Uncertain significance for NPHP1-related condition. Last evaluated: 2026-03-02. Review status: criteria provided, single submitter. Criteria: ACMG Guidelines, 2015. Collection method: clinical testing. Allele origin: germline.
Comment: The NPHP1 c.1728G>A variant is predicted to result in the amino acid substitution p.Met576Ile. To our knowledge, this variant has not been reported in the literature. This variant is reported in 0.00088% of alleles in individuals of European (Non-Finnish) descent in gnomAD. At this time, the clinical significance of this variant is uncertain due to the absence of conclusive functional and genetic evidence.